The following is an entry in ClinVar:

ClinVar aggregate classification (germline): Pathogenic/Likely pathogenic. Review status: criteria provided, multiple submitters, no conflicts (2 of 4 stars). 2 submissions from 2 submitters: Pathogenic (1); Likely pathogenic (1). Last evaluated 2024-09-29.

Conditions:
Wolfram syndrome. Also called: DIDMOAD (Diabetes Insipidus, Diabetes Mellitus, Optic Atrophy, and Deafness); Diabetes mellitus AND insipidus with optic atrophy AND deafness. Identifiers: Orphanet 3463, MedGen C0043207, MONDO:0018105.

Submissions (2):

Labcorp Genetics (formerly Invitae), Labcorp
Classification: Pathogenic. Last evaluated: 2024-09-29. Review status: criteria provided, single submitter. Criteria: Invitae Variant Classification Sherloc (09022015). Collection method: clinical testing. Allele origin: germline.
Comment: This variant, c.1240_1242del, results in the deletion of 1 amino acid(s) of the WFS1 protein (p.Phe414del), but otherwise preserves the integrity of the reading frame. This variant is present in population databases (rs797046112, gnomAD 0.003%). This variant has been observed in individual(s) with autosomal recessive Wolfram syndrome (PMID: 12955714, 15605410, 23981289, 30232070). In at least one individual the data is consistent with being in trans (on the opposite chromosome) from a pathogenic variant. ClinVar contains an entry for this variant (Variation ID: 212611). For these reasons, this variant has been classified as Pathogenic.

Genetic Services Laboratory, University of Chicago
Classification: Likely pathogenic for Wolfram syndrome. Last evaluated: 2015-06-24. Review status: criteria provided, single submitter. Criteria: ACMG Guidelines, 2015. Collection method: clinical testing. Allele origin: germline. Affected: yes.

Literature cited by the submitters: PubMed 12955714 (cited by Labcorp Genetics (formerly Invitae), Labcorp); PubMed 15605410 (cited by Labcorp Genetics (formerly Invitae), Labcorp); PubMed 23981289 (cited by Labcorp Genetics (formerly Invitae), Labcorp); PubMed 30232070 (cited by Labcorp Genetics (formerly Invitae), Labcorp).

NM_006005.3(WFS1):c.1237TTC[1] (p.Phe414del)

Gene: WFS1 (wolframin ER transmembrane glycoprotein; plus strand). Cytogenetic location: 4p16.1.
Variant type: Microsatellite.
Coding change: c.1237TTC[1] on transcript NM_006005.3 (MANE Select); one copy of the 3-base unit TTC starting at c.1237; the reference has two copies in a row; one copy, 3 bases deleted; also written c.1240_1242del.
Protein change: p.Phe414del; deletes phenylalanine 414.
Molecular consequence: inframe deletion.
Genome position (GRCh38, 1-based): chr4:6,301,035-6,301,037, TTC deleted; deleting any 3 consecutive bases within chr4:6,301,030-6,301,037 gives the same sequence; the position shown is the placement nearest the transcript's 3' end. VCF-style (leftmost placement, unchanged base first): chr4-6301029-GTCT-G. GRCh37 (hg19) VCF-style: chr4-6302756-GTCT-G.
Other names: c.1237TTC[1], p.Phe414del (NM_001145853.1); c.1240_1242del (NM_006005.3); short protein forms F414del.
Identifiers: ClinVar variation 212611 (VCV000212611.11), dbSNP rs797046112, ClinGen allele CA277124.
Genomic context (GRCh38, chr4:6,301,029, plus strand): 5'-CAGGCCGAGGTCAACTTCGGCTGGAACCACCTGGAGCCCTATGCCCATTTCCTGCTCTCT[GTCT>G]TCTTCGTCATCTTCTCCTTCCCCATCGCCAGCAAGGACTGCATCCCCTGCTCGGAGCTGG-3'